The following is an entry in ClinVar:

NM_001040436.3(YARS2):c.1271G>A (p.Arg424Gln)

Gene: YARS2 (tyrosyl-tRNA synthetase 2; minus strand). Cytogenetic location: 12p11.21.
Variant type: single nucleotide variant.
Coding change: c.1271G>A on transcript NM_001040436.3 (MANE Select); coding-DNA position 1271, G replaced by A.
Protein change: p.Arg424Gln; replaces arginine 424 with glutamine.
Molecular consequence: missense variant.
Genome position (GRCh38, 1-based): chr12:32,749,940, C>T on the plus strand (G>A on the coding strand, the complement: YARS2 is on the minus strand). VCF-style: chr12-32749940-C-T. GRCh37 (hg19) VCF-style: chr12-32902874-C-T.
Other names: short protein forms R424Q.
Identifiers: ClinVar variation 1303071 (VCV001303071.2), dbSNP rs372406231, ClinGen allele CA6507950.
Genomic context (GRCh38, chr12:32,749,940, plus strand): 5'-TGAACTGTAACATTTAATGGTGAATTAACTGTAAATCTAAAAGTTAAATAATCTTACCCT[C>T]GGGGACCATCTGGAATGGCATTTGCTTTGCGGCAAGTATCTAGGACACTTGTTCCAGGAT-3'
Protein context (NP_001035526.1, residues 414-434): RKANAIPDGP[Arg424Gln]GYRMITEGGV

ClinVar aggregate classification (germline): Uncertain significance (1 of 4 stars; one submission).

Allele frequency attached by ClinVar (database versions not stated): gnomAD exomes below 0.00001 and 0.00002; gnomAD 0.00001; TOPMed 0.00001; ExAC 0.00002; ESP Exome Variant Server 0.00008.
gnomAD v4.1: 23 of 1,613,912 alleles (0.0014%); highest among the groups gnomAD compares: Non-Finnish European, 0.0019%; no homozygotes.

Submission:

GeneDx
Classification: Uncertain significance. Last evaluated: 2020-12-07. Review status: criteria provided, single submitter. Criteria: GeneDx Variant Classification Process June 2021. Collection method: clinical testing. Allele origin: germline. Affected: yes.
Comment: Not observed at a significant frequency in large population cohorts (Lek et al., 2016); In silico analysis supports that this missense variant does not alter protein structure/function; This variant is associated with the following publications: (PMID: 24344687)